The following is an entry in ClinVar:

ClinVar aggregate classification (germline): Uncertain significance (1 of 4 stars; one submission).

Allele frequency attached by ClinVar (database versions not stated): TOPMed below 0.00001; gnomAD exomes below 0.00001; ExAC 0.00001; gnomAD 0.00001.
gnomAD v4.1: 6 of 1,613,544 alleles (0.00037%); highest among the groups gnomAD compares: African/African-American, 0.0013%; no homozygotes.

Submission:

Labcorp Genetics (formerly Invitae), Labcorp
Classification: Uncertain significance. Last evaluated: 2022-03-02. Review status: criteria provided, single submitter. Criteria: Invitae Variant Classification Sherloc (09022015). Collection method: clinical testing. Allele origin: germline.
Comment: The frequency data for this variant in the population databases is considered unreliable, as metrics indicate poor data quality at this position in the gnomAD database. This sequence change replaces arginine, which is basic and polar, with cysteine, which is neutral and slightly polar, at codon 131 of the IL2RB protein (p.Arg131Cys). This variant has not been reported in the literature in individuals affected with IL2RB-related conditions. Algorithms developed to predict the effect of missense changes on protein structure and function (SIFT, PolyPhen-2, Align-GVGD) all suggest that this variant is likely to be disruptive. In summary, the available evidence is currently insufficient to determine the role of this variant in disease. Therefore, it has been classified as a Variant of Uncertain Significance.

NM_000878.5(IL2RB):c.391C>T (p.Arg131Cys)

Gene: IL2RB (interleukin 2 receptor subunit beta; minus strand). Cytogenetic location: 22q12.3.
Variant type: single nucleotide variant.
Coding change: c.391C>T on transcript NM_000878.5 (MANE Select); coding-DNA position 391, C replaced by T.
Protein change: p.Arg131Cys; replaces arginine 131 with cysteine.
Molecular consequence: missense variant.
Genome position (GRCh38, 1-based): chr22:37,137,733, G>A on the plus strand (C>T on the coding strand, the complement: IL2RB is on the minus strand). VCF-style: chr22-37137733-G-A. GRCh37 (hg19) VCF-style: chr22-37533773-G-A.
Other names: c.391C>T, p.Arg131Cys (NM_001346222.1, NM_001346223.2); short protein forms R131C.
Identifiers: ClinVar variation 2188910 (VCV002188910.3), dbSNP rs781374953, ClinGen allele CA10216624.